The following is an entry in ClinVar:

ClinVar aggregate classification (germline): Uncertain significance (1 of 4 stars; one submission).

Conditions:
Dyskeratosis congenita. Identifiers: Orphanet 1775, MedGen C0265965, MONDO:0015780.

Submission:

Labcorp Genetics (formerly Invitae), Labcorp
Classification: Uncertain significance for Dyskeratosis congenita. Last evaluated: 2022-09-01. Review status: criteria provided, single submitter. Criteria: Invitae Variant Classification Sherloc (09022015). Collection method: clinical testing. Allele origin: germline.
Comment: A gross deletion of the genomic region encompassing the full coding sequence of the NHP2 gene has been identified. The current clinical and genetic evidence is not sufficient to establish whether loss-of-function variants in NHP2 cause disease. The boundaries of this event are unknown as they extend beyond the assayed region for this gene and therefore may encompass additional genes. This variant has not been reported in the literature in individuals affected with NHP2-related conditions. In summary, the available evidence is currently insufficient to determine the role of this variant in disease. Therefore, it has been classified as a Variant of Uncertain Significance.

NC_000005.10:g.(?_178149707)_(178153823_?)del

Genes: NHP2 (NHP2 ribonucleoprotein; minus strand), RMND5B (required for meiotic nuclear division 5 homolog B; plus strand). Cytogenetic location: 5q35.3.
Variant type: Deletion.
Identifiers: ClinVar variation 584335 (VCV000584335.3).